The following is an entry in ClinVar:

NM_024426.6(WT1):c.110_119del (p.Gly37fs)

Genes: WT1 (WT1 transcription factor; minus strand), LOC107982234 (WT1/WT1-AS bi-directional promoter region; plus strand). Cytogenetic location: 11p13.
Variant type: Deletion.
Coding change: c.110_119del on transcript NM_024426.6 (MANE Select); coding-DNA positions 110 to 119, 10 bases deleted (GAGTCCGGGA; older notation c.110_119delGAGTCCGGGA).
Protein change: p.Gly37fs; shifts the reading frame from glycine 37.
Molecular consequence: frameshift variant. On other transcripts: 5 prime UTR variant (4), non-coding transcript variant (2).
Genome position (GRCh38, 1-based): chr11:32,435,242-32,435,251, TCCCGGACTC deleted on the plus strand (GAGTCCGGGA on the coding strand, the reverse complement: WT1 is on the minus strand). VCF-style (leftmost placement, unchanged base first): chr11-32435241-GTCCCGGACTC-G. GRCh37 (hg19) VCF-style: chr11-32456787-GTCCCGGACTC-G.
Other names: c.110_119del, p.Gly37fs (NM_000378.6, NM_001407044.1, NM_001407045.1 and 6 more transcripts); c.-110_-101del (NM_001429031.1, NM_001429032.1, NM_001429033.1 and 1 more transcripts); short protein forms G37fs.
Identifiers: ClinVar variation 5032014 (VCV005032014.1).
Genomic context (GRCh38, chr11:32,435,241, plus strand): 5'-GCCCTGGAGACGTTCAGCGCTGGCCTCGGCGGCGCCTAACTTGGCCCAGATGCCGCCCGG[GTCCCGGACTC>G]CCTGCTGCTCTGGCTGCTGTAGGCACCCAGGCCCGGAGCGGAGCGTGTGCTGAGACGCCG-3'

ClinVar aggregate classification (germline): Uncertain significance (1 of 4 stars; one submission).

Conditions:
Inborn genetic diseases. Identifiers: MedGen C0950123, MeSH D030342.

Submission:

Ambry Genetics
Classification: Uncertain significance for Inborn genetic diseases. Last evaluated: 2026-06-16. Review status: criteria provided, single submitter. Criteria: Ambry Variant Classification Scheme 2023. Collection method: clinical testing. Allele origin: germline.
Comment: The c.95_104del10 variant, located in coding exon 1 of the WT1 gene, results from a deletion of 10 nucleotides at nucleotide positions 95 to 104, causing a translational frameshift with a predicted alternate stop codon (p.G32Afs*9). The predicted stop codon occurs in the 5&rsquo; end of thegene. Premature termination codons in the 5&rsquo; end of a gene have been reported to escape nonsense-mediated mRNAdecay and/or lead to re-initiation (Rivas et al. Science. 2015 May 8;348(6235):666-9; Lindeboom et al. Nat Genet. 2016 Oct;48(10):1112-8; Rhee et al. Sci Rep. 2017 May 10;7(1):1653). The exact functional effect of this variant is unknown. Since supporting evidence is limited at this time, the clinical significance of this variant remains unclear.